The following is an entry in ClinVar:

ClinVar aggregate classification (germline): Uncertain significance. Review status: criteria provided, multiple submitters, no conflicts (2 of 4 stars). 3 submissions from 3 submitters: Uncertain significance (3). Last evaluated 2025-07-15.

Allele frequency attached by ClinVar (database versions not stated): 1000 Genomes Project 30x 0.00016; 1000 Genomes Project 0.00020; gnomAD 0.00023; TOPMed 0.00032; ExAC 0.00036; gnomAD exomes 0.00045; ESP Exome Variant Server 0.00071.
gnomAD v4.1: 686 of 1,613,956 alleles (0.043%); highest among the groups gnomAD compares: Non-Finnish European, 0.053%; 1 homozygote.

Submissions (3):

Mayo Clinic Laboratories, Mayo Clinic
Classification: Uncertain significance. Last evaluated: 2025-07-15. Review status: criteria provided, single submitter. Criteria: ACMG Guidelines, 2015. Collection method: clinical testing. Allele origin: germline. Observed: 2 variant alleles.
Comment: BS2

CeGaT Center for Human Genetics Tuebingen
Classification: Uncertain significance. Last evaluated: 2024-01-01. Review status: criteria provided, single submitter. Criteria: CeGaT Center For Human Genetics Tuebingen Variant Classification Criteria Version 2. Collection method: clinical testing. Allele origin: germline. Affected: yes. Observed: 2 variant alleles.

Ambry Genetics
Classification: Uncertain significance. Last evaluated: 2021-09-15. Review status: criteria provided, single submitter. Criteria: Ambry Variant Classification Scheme 2023. Collection method: clinical testing. Allele origin: germline.

NM_001098816.3(TENM4):c.4654G>A (p.Val1552Met)

Gene: TENM4 (teneurin transmembrane protein 4; minus strand). Cytogenetic location: 11q14.1.
Variant type: single nucleotide variant.
Coding change: c.4654G>A on transcript NM_001098816.3 (MANE Select); coding-DNA position 4654, G replaced by A.
Protein change: p.Val1552Met; replaces valine 1552 with methionine.
Molecular consequence: missense variant.
Genome position (GRCh38, 1-based): chr11:78,701,959, C>T on the plus strand (G>A on the coding strand, the complement: TENM4 is on the minus strand). VCF-style: chr11-78701959-C-T. GRCh37 (hg19) VCF-style: chr11-78413004-C-T.
Other names: p.Val1552Met; short protein forms V1552M.
Identifiers: ClinVar variation 2356982 (VCV002356982.27), dbSNP rs199784483, ClinGen allele CA6206767.
Genomic context (GRCh38, chr11:78,701,959, plus strand): 5'-TGTTGAGGAAAGGCTTGTTCTTCCGGATAAACCGAATTCGGATGTTCCCAAGGTCGGCCA[C>T]GTAGAGCTCCCCATCAGCACACACAGCCAAGGAAGATGGGGTATTTAACTTTGCATCCTT-3'
Protein context (NP_001092286.2, residues 1542-1562): LAVCADGELY[Val1552Met]ADLGNIRIRF